The following is an entry in ClinVar:

ClinVar aggregate classification (germline): Uncertain significance. Review status: criteria provided, multiple submitters, no conflicts (2 of 4 stars). 3 submissions from 3 submitters: Uncertain significance (3). Last evaluated 2026-01-27.

Conditions:
POLD1-related polyposis and colorectal cancer syndrome (CRCS10). Also called: Colorectal cancer, susceptibility to, 10; Colorectal cancer 10; COLORECTAL CANCER, SUSCEPTIBILITY TO, ON CHROMOSOME 19q. Identifiers: Orphanet 220460, MedGen C2675481, MONDO:0012953, OMIM 612591.
Hereditary cancer-predisposing syndrome. Also called: Neoplastic Syndromes, Hereditary; Hereditary neoplastic syndrome; Hereditary Cancer Syndrome; Tumor predisposition. Identifiers: Orphanet 140162, MedGen C0027672, MeSH D009386, MONDO:0015356.

Allele frequency attached by ClinVar (database versions not stated): 1000 Genomes Project below 0.00001; ExAC 0.00002; gnomAD exomes 0.00002; TOPMed 0.00004; gnomAD 0.00006.
gnomAD v4.1: 34 of 1,610,390 alleles (0.0021%); highest among the groups gnomAD compares: Middle Eastern, 0.016%; no homozygotes.

Submissions (3):

Labcorp Genetics (formerly Invitae), Labcorp
Classification: Uncertain significance for POLD1-related polyposis and colorectal cancer syndrome. Last evaluated: 2026-01-27. Review status: criteria provided, single submitter. Criteria: Invitae Variant Classification Sherloc (09022015). Collection method: clinical testing. Allele origin: germline.
Comment: This sequence change replaces threonine, which is neutral and polar, with methionine, which is neutral and non-polar, at codon 582 of the POLD1 protein (p.Thr582Met). This variant is present in population databases (rs547831370, gnomAD 0.03%). This variant has not been reported in the literature in individuals affected with POLD1-related conditions. ClinVar contains an entry for this variant (Variation ID: 408117). Invitae Evidence Modeling of protein sequence and biophysical properties (such as structural, functional, and spatial information, amino acid conservation, physicochemical variation, residue mobility, and thermodynamic stability) indicates that this missense variant is not expected to disrupt POLD1 protein function with a negative predictive value of 80%. In summary, the available evidence is currently insufficient to determine the role of this variant in disease. Therefore, it has been classified as a Variant of Uncertain Significance.

Ambry Genetics
Classification: Uncertain significance for Hereditary cancer-predisposing syndrome. Last evaluated: 2025-01-10. Review status: criteria provided, single submitter. Criteria: Ambry Variant Classification Scheme 2023. Collection method: clinical testing. Allele origin: germline.
Comment: The p.T582M variant (also known as c.1745C>T), located in coding exon 13 of the POLD1 gene, results from a C to T substitution at nucleotide position 1745. The threonine at codon 582 is replaced by methionine, an amino acid with similar properties. This amino acid position is well conserved in available vertebrate species. In addition, this alteration is predicted to be tolerated by in silico analysis. Based on the available evidence, the clinical significance of this variant remains unclear.

GeneDx
Classification: Uncertain significance. Last evaluated: 2024-01-12. Review status: criteria provided, single submitter. Criteria: GeneDx Variant Classification Process June 2021. Collection method: clinical testing. Allele origin: germline. Affected: yes.
Comment: In silico analysis supports that this missense variant does not alter protein structure/function; Observed in a patient with breast cancer (PMID: 32091409); This variant is associated with the following publications: (PMID: 25228659, 26580448, 20951805, 32091409)

NM_002691.4(POLD1):c.1745C>T (p.Thr582Met)

Gene: POLD1 (DNA polymerase delta 1, catalytic subunit; plus strand). Cytogenetic location: 19q13.33.
Variant type: single nucleotide variant.
Coding change: c.1745C>T on transcript NM_002691.4 (MANE Select); coding-DNA position 1745, C replaced by T.
Protein change: p.Thr582Met; replaces threonine 582 with methionine.
Molecular consequence: missense variant. On other transcripts: non-coding transcript variant (1).
Genome position (GRCh38, 1-based): chr19:50,407,385, C>T. VCF-style: chr19-50407385-C-T. GRCh37 (hg19) VCF-style: chr19-50910642-C-T.
Other names: c.1745C>T, p.Thr582Met (NM_001256849.1, NM_001308632.1); c.1745C>T (NM_002691.2); short protein forms T582M.
Identifiers: ClinVar variation 408117 (VCV000408117.16), dbSNP rs547831370, ClinGen allele CA9596246.
Genomic context (GRCh38, chr19:50,407,385, plus strand): 5'-AGGCCATGCACGAGGGGCTGCTGATGCCCGTGGTGAAGTCAGAGGGCGGCGAGGACTACA[C>T]GGGAGCCACTGTCATCGAGCCCCTCAAAGGGTGAGGCCCCAGGCTGGGTGCAGTTTTTAC-3'
Protein context (NP_002682.2, residues 572-592): VVKSEGGEDY[Thr582Met]GATVIEPLKG